The following is an entry in ClinVar:

ClinVar aggregate classification (germline): Uncertain significance (1 of 4 stars; one submission).

Conditions:
Hereditary cancer-predisposing syndrome. Also called: Neoplastic Syndromes, Hereditary; Tumor predisposition; Hereditary neoplastic syndrome; Hereditary Cancer Syndrome. Identifiers: Orphanet 140162, MedGen C0027672, MeSH D009386, MONDO:0015356.

Submission:

Ambry Genetics
Classification: Uncertain significance for Hereditary cancer-predisposing syndrome. Last evaluated: 2026-07-07. Review status: criteria provided, single submitter. Criteria: Ambry Variant Classification Scheme 2023. Collection method: clinical testing. Allele origin: germline.
Comment: The p.L347P variant (also known as c.1040T>C), located in coding exon 9 of the SUFU gene, results from a T to C substitution at nucleotide position 1040. The leucine at codon 347 is replaced by proline, an amino acid with similar properties. This amino acid position is conserved. In addition, the in silico prediction for this alteration is inconclusive. Based on the available evidence, the clinical significance of this variant remains unclear.

NM_016169.4(SUFU):c.1040T>C (p.Leu347Pro)

Gene: SUFU (SUFU negative regulator of hedgehog signaling; plus strand). Cytogenetic location: 10q24.32.
Variant type: single nucleotide variant.
Coding change: c.1040T>C on transcript NM_016169.4 (MANE Select); coding-DNA position 1040, T replaced by C.
Protein change: p.Leu347Pro; replaces leucine 347 with proline.
Molecular consequence: missense variant.
Genome position (GRCh38, 1-based): chr10:102,615,285, T>C. VCF-style: chr10-102615285-T-C. GRCh37 (hg19) VCF-style: chr10-104375042-T-C.
Other names: c.1040T>C, p.Leu347Pro (NM_001178133.2); short protein forms L347P.
Identifiers: ClinVar variation 5030407 (VCV005030407.1).